The following is an entry in ClinVar:

ClinVar aggregate classification (germline): Likely pathogenic (1 of 4 stars; one submission).

Conditions:
Wilson disease (WND). Also called: Wilson's disease. Identifiers: Orphanet 905, MedGen C0019202, MONDO:0010200, OMIM 277900. Disease mechanism: loss of function.

Submission:

Natera, Inc.
Classification: Likely pathogenic for Wilson disease. Last evaluated: 2025-10-25. Review status: criteria provided, single submitter. Criteria: Natera Variant Classification Schema (03/2026). Collection method: clinical testing. Allele origin: germline.
Comment: The c.21_22del variant in ATP7B is a frameshift variant predicted to shift the reading frame beginning at codon 7 and leads to a stop codon 14 codons downstream. This variant is expected to result in nonsense mediated decay, truncation, or a dysfunctional protein product. This variant is rare in the general population with a frequency below the threshold expected for the associated phenotype(s). Given the available evidence, this variant is classified as Likely Pathogenic.

NM_000053.4(ATP7B):c.21_22del (p.Gln7fs)

Gene: ATP7B (ATPase copper transporting beta; minus strand). Cytogenetic location: 13q14.3.
Variant type: Deletion.
Coding change: c.21_22del on transcript NM_000053.4 (MANE Select); coding-DNA positions 21 to 22, 2 bases deleted (GA; older notation c.21_22delGA).
Protein change: p.Gln7fs; shifts the reading frame from glutamine 7.
Molecular consequence: frameshift variant. On other transcripts: 5 prime UTR variant (3).
Genome position (GRCh38, 1-based): chr13:52,011,316-52,011,317, TC deleted on the plus strand (GA on the coding strand, the reverse complement: ATP7B is on the minus strand); deleting any 2 consecutive bases within chr13:52,011,316-52,011,318 gives the same sequence; the c. name uses the placement nearest the transcript's 3' end. VCF-style (leftmost placement, unchanged base first): chr13-52011315-ATC-A. GRCh37 (hg19) VCF-style: chr13-52585451-ATC-A.
Other names: c.21_22del, p.Gln7fs (NM_001005918.3, NM_001243182.2, NM_001330578.2 and 30 more transcripts); c.-167_-166del (NM_001406518.1); c.-109_-108del (NM_001406539.1, NM_001406543.1); short protein forms Q7fs.
Identifiers: ClinVar variation 4815090 (VCV004815090.1).